The following is an entry in ClinVar:

ClinVar aggregate classification (germline): Uncertain significance. Review status: criteria provided, multiple submitters, no conflicts (2 of 4 stars). 2 submissions from 2 submitters: Uncertain significance (2). Last evaluated 2025-03-12.

Conditions:
Combined immunodeficiency due to LRBA deficiency. Also called: Common variable immunodeficiency 8, with autoimmunity. Identifiers: Orphanet 445018, MedGen C3553512, MONDO:0013863, OMIM 614700.

gnomAD v4.1: 12 of 1,608,844 alleles (0.00075%); highest among the groups gnomAD compares: African/African-American, 0.0027%; no homozygotes.

Submissions (2):

Labcorp Genetics (formerly Invitae), Labcorp
Classification: Uncertain significance for Combined immunodeficiency due to LRBA deficiency. Last evaluated: 2025-03-12. Review status: criteria provided, single submitter. Criteria: Invitae Variant Classification Sherloc (09022015). Collection method: clinical testing. Allele origin: germline.
Comment: This sequence change replaces alanine, which is neutral and non-polar, with valine, which is neutral and non-polar, at codon 1819 of the LRBA protein (p.Ala1819Val). The frequency data for this variant in the population databases is considered unreliable, as metrics indicate poor data quality at this position in the gnomAD database. This variant has not been reported in the literature in individuals affected with LRBA-related conditions. ClinVar contains an entry for this variant (Variation ID: 2682871). Invitae Evidence Modeling of protein sequence and biophysical properties (such as structural, functional, and spatial information, amino acid conservation, physicochemical variation, residue mobility, and thermodynamic stability) indicates that this missense variant is expected to disrupt LRBA protein function with a positive predictive value of 80%. In summary, the available evidence is currently insufficient to determine the role of this variant in disease. Therefore, it has been classified as a Variant of Uncertain Significance.

Mayo Clinic Laboratories, Mayo Clinic
Classification: Uncertain significance. Last evaluated: 2022-10-25. Review status: criteria provided, single submitter. Criteria: ACMG Guidelines, 2015. Collection method: clinical testing. Allele origin: germline. Observed: 1 variant allele.

NM_001364905.1(LRBA):c.5456C>T (p.Ala1819Val)

Gene: LRBA (LPS responsive beige-like anchor protein; minus strand). Cytogenetic location: 4q31.3.
Variant type: single nucleotide variant.
Coding change: c.5456C>T on transcript NM_001364905.1 (MANE Select); coding-DNA position 5456, C replaced by T.
Protein change: p.Ala1819Val; replaces alanine 1819 with valine.
Molecular consequence: missense variant.
Genome position (GRCh38, 1-based): chr4:150,806,333, G>A on the plus strand (C>T on the coding strand, the complement: LRBA is on the minus strand). VCF-style: chr4-150806333-G-A. GRCh37 (hg19) VCF-style: chr4-151727485-G-A.
Other names: p.Ala1819Val; c.5456C>T, p.Ala1819Val (NM_001199282.3, NM_001367550.1, NM_006726.5); short protein forms A1819V.
Identifiers: ClinVar variation 2682871 (VCV002682871.2), dbSNP rs769678230, ClinGen allele CA108420308.